The following is an entry in ClinVar:

NM_015046.7(SETX):c.6928G>A (p.Asp2310Asn)

Gene: SETX (senataxin; minus strand). Cytogenetic location: 9q34.13.
Variant type: single nucleotide variant.
Coding change: c.6928G>A on transcript NM_015046.7 (MANE Select); coding-DNA position 6928, G replaced by A.
Protein change: p.Asp2310Asn; replaces aspartic acid 2310 with asparagine.
Molecular consequence: missense variant.
Genome position (GRCh38, 1-based): chr9:132,277,067, C>T on the plus strand (G>A on the coding strand, the complement: SETX is on the minus strand). VCF-style: chr9-132277067-C-T. GRCh37 (hg19) VCF-style: chr9-135152454-C-T.
Other names: c.6928G>A, p.Asp2310Asn (NM_001351527.2, NM_001351528.2); short protein forms D2310N.
Identifiers: ClinVar variation 2659647 (VCV002659647.24), dbSNP rs2538870831, ClinGen allele CA375330245.

ClinVar aggregate classification (germline): Uncertain significance (1 of 4 stars; one submission).

gnomAD v4.1: 2 of 1,613,564 alleles (0.00012%); highest among the groups gnomAD compares: Non-Finnish European, 0.00017%; no homozygotes.

Submission:

CeGaT Center for Human Genetics Tuebingen
Classification: Uncertain significance. Last evaluated: 2023-10-01. Review status: criteria provided, single submitter. Criteria: CeGaT Center For Human Genetics Tuebingen Variant Classification Criteria Version 2. Collection method: clinical testing. Allele origin: germline. Affected: yes. Observed: 1 variant allele.
Comment: SETX: PM2